The following is an entry in ClinVar:

ClinVar aggregate classification (germline): Pathogenic (1 of 4 stars; one submission).

Submission:

Labcorp Genetics (formerly Invitae), Labcorp
Classification: Pathogenic. Last evaluated: 2025-01-29. Review status: criteria provided, single submitter. Criteria: Invitae Variant Classification Sherloc (09022015). Collection method: clinical testing. Allele origin: germline.
Comment: This sequence change creates a premature translational stop signal (p.Leu251Valfs*2) in the NCSTN gene. It is expected to result in an absent or disrupted protein product. Loss-of-function variants in NCSTN are known to be pathogenic (PMID: 20929727, 21430701, 22358060). This variant is not present in population databases (gnomAD no frequency). This premature translational stop signal has been observed in individual(s) with acne inversa (PMID: 32940366). For these reasons, this variant has been classified as Pathogenic.

Literature cited by the submitters: PubMed 20929727; PubMed 21430701; PubMed 22358060; PubMed 32940366.

NM_015331.3(NCSTN):c.751_752del (p.Leu251fs)

Gene: NCSTN (nicastrin; plus strand). Cytogenetic location: 1q23.2.
Variant type: Deletion.
Coding change: c.751_752del on transcript NM_015331.3 (MANE Select); coding-DNA positions 751 to 752, 2 bases deleted (CT; older notation c.751_752delCT).
Protein change: p.Leu251fs; shifts the reading frame from leucine 251.
Molecular consequence: frameshift variant. On other transcripts: intron variant (1).
Genome position (GRCh38, 1-based): chr1:160,351,713-160,351,714, CT deleted. VCF-style (leftmost placement, unchanged base first): chr1-160351712-CCT-C. GRCh37 (hg19) VCF-style: chr1-160321502-CCT-C.
Other names: c.691_692del, p.Leu231fs (NM_001290184.2); c.751_752del, p.Leu251fs (NM_001349729.2); c.583-1174_583-1173del (NM_001290186.2); short protein forms L251fs, L231fs.
Identifiers: ClinVar variation 3677004 (VCV003677004.2).